The following is an entry in ClinVar:

NM_020774.4(MIB1):c.1276C>G (p.Gln426Glu)

Gene: MIB1 (MIB E3 ubiquitin protein ligase 1; plus strand). Cytogenetic location: 18q11.2.
Variant type: single nucleotide variant.
Coding change: c.1276C>G on transcript NM_020774.4 (MANE Select); coding-DNA position 1276, C replaced by G.
Protein change: p.Gln426Glu; replaces glutamine 426 with glutamic acid.
Molecular consequence: missense variant.
Genome position (GRCh38, 1-based): chr18:21,799,879, C>G. VCF-style: chr18-21799879-C-G. GRCh37 (hg19) VCF-style: chr18-19379840-C-G.
Other names: short protein forms Q426E.
Identifiers: ClinVar variation 4826106 (VCV004826106.1).
Genomic context (GRCh38, chr18:21,799,879, plus strand): 5'-AGCTTTATTTGATGCTTTACAGAAAGACTCTCACAACTCCTGAAGAAATTATTTGAAACC[C>G]AAGAATCTGGTGACCTCAATGAAGAATTAGTTAAGGCTGCTGCCAATGGAGATGTTGCTA-3'
Protein context (NP_065825.1, residues 416-436): SQLLKKLFET[Gln426Glu]ESGDLNEELV

ClinVar aggregate classification (germline): Uncertain significance (1 of 4 stars; one submission).

Conditions:
Inborn genetic diseases. Identifiers: MedGen C0950123, MeSH D030342.

Submission:

Ambry Genetics
Classification: Uncertain significance for Inborn genetic diseases. Last evaluated: 2026-03-12. Review status: criteria provided, single submitter. Criteria: Ambry Variant Classification Scheme 2023. Collection method: clinical testing. Allele origin: germline.
Comment: The p.Q426E variant (also known as c.1276C>G), located in coding exon 9 of the MIB1 gene, results from a C to G substitution at nucleotide position 1276. The glutamine at codon 426 is replaced by glutamic acid, an amino acid with highly similar properties. This amino acid position is conserved. In addition, this alteration is predicted to be tolerated by in silico analysis. Based on the available evidence, the clinical significance of this variant remains unclear.